The following is an entry in ClinVar:

NM_002878.4(RAD51D):c.363A>G (p.Ala121=)

Genes: RAD51D (RAD51 paralog D; minus strand), RAD51L3-RFFL (RAD51L3-RFFL readthrough; minus strand). Cytogenetic location: 17q12.
Variant type: single nucleotide variant.
Coding change: c.363A>G on transcript NM_002878.4 (MANE Select); coding-DNA position 363, A replaced by G.
Protein change: p.Ala121=; no amino-acid change (alanine 121 retained).
Molecular consequence: synonymous variant. On other transcripts: non-coding transcript variant (1), intron variant (1).
Genome position (GRCh38, 1-based): chr17:35,107,105, T>C on the plus strand (A>G on the coding strand, the complement: RAD51D is on the minus strand). VCF-style: chr17-35107105-T-C. GRCh37 (hg19) VCF-style: chr17-33434124-T-C.
Other names: c.423A>G, p.Ala141= (NM_001142571.2); c.145-624A>G (NM_133629.3).
Identifiers: ClinVar variation 3312402 (VCV003312402.2).

ClinVar aggregate classification (germline): Benign/Likely benign. Review status: criteria provided, multiple submitters, no conflicts (2 of 4 stars). 2 submissions from 2 submitters: Benign (1); Likely benign (1). Last evaluated 2025-02-21.

Conditions:
Breast-ovarian cancer, familial, susceptibility to, 4. Identifiers: Orphanet 145, MedGen C3280345, MONDO:0013669, OMIM 614291.
Hereditary cancer-predisposing syndrome. Also called: Neoplastic Syndromes, Hereditary; Tumor predisposition; Hereditary neoplastic syndrome; Hereditary Cancer Syndrome. Identifiers: Orphanet 140162, MedGen C0027672, MeSH D009386, MONDO:0015356.

Submissions (2):

Myriad Genetics, Inc.
Classification: Benign for Breast-ovarian cancer, familial, susceptibility to, 4. Last evaluated: 2025-02-21. Review status: criteria provided, single submitter. Criteria: Myriad Autosomal Dominant, Autosomal Recessive and X-Linked Classification Criteria (2023). Collection method: clinical testing. Allele origin: unknown.
Comment: This variant is considered benign. This variant is a silent/synonymous amino acid change and it is not expected to impact splicing.

Ambry Genetics
Classification: Likely benign for Hereditary cancer-predisposing syndrome. Last evaluated: 2024-04-05. Review status: criteria provided, single submitter. Criteria: Ambry Variant Classification Scheme 2023. Collection method: clinical testing. Allele origin: germline.